The following is an entry in ClinVar:

ClinVar aggregate classification (germline): Conflicting classifications of pathogenicity. Review status: criteria provided, conflicting classifications (1 of 4 stars). 4 submissions from 4 submitters: Uncertain significance (2); Likely benign (1). 1 of the submissions does not count toward it. Last evaluated 2024-05-23.

Conditions:
Retinal dystrophy. Also called: Inherited retinal dystrophy. Identifiers: Orphanet 71862, MedGen C0854723, MeSH D058499, MONDO:0019118, HP:0000556.
Retinitis pigmentosa 46 (RP46). Also called: RETINITIS PIGMENTOSA, AUTOSOMAL RECESSIVE, IDH3B-RELATED. Identifiers: Orphanet 791, MedGen C2675496, MONDO:0012943, OMIM 612572.

Submissions (4):

Blueprint Genetics
Classification: Likely benign. Last evaluated: 2024-05-23. Review status: criteria provided, single submitter. Criteria: ACMG Guidelines, 2015. Collection method: clinical testing. Allele origin: germline.

Labcorp Genetics (formerly Invitae), Labcorp
Classification: Uncertain significance. Last evaluated: 2022-08-25. Review status: criteria provided, single submitter. Criteria: Invitae Variant Classification Sherloc (09022015). Collection method: clinical testing. Allele origin: germline.
Comment: This variant, c.1118_1120del, results in the deletion of 1 amino acid(s) of the IDH3B protein (p.Ile373del), but otherwise preserves the integrity of the reading frame. This variant is present in population databases (rs781157150, gnomAD 0.1%), and has an allele count higher than expected for a pathogenic variant. This variant has not been reported in the literature in individuals affected with IDH3B-related conditions. ClinVar contains an entry for this variant (Variation ID: 338012). Experimental studies and prediction algorithms are not available or were not evaluated, and the functional significance of this variant is currently unknown. In summary, the available evidence is currently insufficient to determine the role of this variant in disease. Therefore, it has been classified as a Variant of Uncertain Significance.

Fulgent Genetics
Classification: Uncertain significance for Retinitis pigmentosa 46. Last evaluated: 2021-08-04. Review status: criteria provided, single submitter. Criteria: ACMG Guidelines, 2015. Collection method: clinical testing. Allele origin: unknown.

Institute of Human Genetics, Univ. Regensburg, Univ. Regensburg
Classification: Uncertain significance for Retinal dystrophy. Last evaluated: 2019-01-01. Review status: no assertion criteria provided. Criteria: ACMG Guidelines, 2015. Collection method: clinical testing. Allele origin: germline. Affected: yes. Not counted in ClinVar's aggregate classification.

NM_006899.5(IDH3B):c.1115TCA[1] (p.Ile373del)

Gene: IDH3B (isocitrate dehydrogenase (NAD(+)) 3 non-catalytic subunit beta; minus strand). Cytogenetic location: 20p13.
Variant type: Microsatellite.
Coding change: c.1115TCA[1] on transcript NM_006899.5 (MANE Select); one copy of the 3-base unit TCA starting at c.1115; the reference has two copies in a row; one copy, 3 bases deleted; also written c.1118_1120del.
Protein change: p.Ile373del; deletes isoleucine 373.
Molecular consequence: inframe deletion. On other transcripts: non-coding transcript variant (1), intron variant (1).
Genome position (GRCh38, 1-based): chr20:2,658,789-2,658,791, TGA deleted on the plus strand (TCA on the coding strand, the reverse complement: IDH3B is on the minus strand); deleting any 3 consecutive bases within chr20:2,658,789-2,658,794 gives the same sequence; the position shown is the placement nearest the transcript's 3' end. VCF-style (leftmost placement, unchanged base first): chr20-2658788-TTGA-T. GRCh37 (hg19) VCF-style: chr20-2639434-TTGA-T.
Other names: c.1115TCA[1], p.Ile373del (NM_001330763.2); c.1072-269_1072-267del (NM_174855.4); c.1118_1120del (NM_006899.5); short protein forms I373del.
Identifiers: ClinVar variation 338012 (VCV000338012.12), dbSNP rs781157150, ClinGen allele CA9735044.